The following is an entry in ClinVar:

NM_017433.5(MYO3A):c.3860C>G (p.Pro1287Arg)

Gene: MYO3A (myosin IIIA; plus strand). Cytogenetic location: 10p12.1.
Variant type: single nucleotide variant.
Coding change: c.3860C>G on transcript NM_017433.5 (MANE Select); coding-DNA position 3860, C replaced by G.
Protein change: p.Pro1287Arg; replaces proline 1287 with arginine.
Molecular consequence: missense variant.
Genome position (GRCh38, 1-based): chr10:26,174,124, C>G. VCF-style: chr10-26174124-C-G. GRCh37 (hg19) VCF-style: chr10-26463053-C-G.
Other names: short protein forms P1287R.
Identifiers: ClinVar variation 2986008 (VCV002986008.3), dbSNP rs1367656584, ClinGen allele CA376340036.

ClinVar aggregate classification (germline): Uncertain significance (1 of 4 stars; one submission).

Allele frequency attached by ClinVar (database versions not stated): gnomAD exomes below 0.00001.
gnomAD v4.1: 4 of 1,614,170 alleles (0.00025%); highest among the groups gnomAD compares: Non-Finnish European, 0.00034%; no homozygotes.

Submission:

Labcorp Genetics (formerly Invitae), Labcorp
Classification: Uncertain significance. Last evaluated: 2024-01-02. Review status: criteria provided, single submitter. Criteria: Invitae Variant Classification Sherloc (09022015). Collection method: clinical testing. Allele origin: germline.
Comment: This sequence change replaces proline, which is neutral and non-polar, with arginine, which is basic and polar, at codon 1287 of the MYO3A protein (p.Pro1287Arg). This variant is not present in population databases (gnomAD no frequency). This variant has not been reported in the literature in individuals affected with MYO3A-related conditions. Advanced modeling of protein sequence and biophysical properties (such as structural, functional, and spatial information, amino acid conservation, physicochemical variation, residue mobility, and thermodynamic stability) performed at Invitae indicates that this missense variant is not expected to disrupt MYO3A protein function with a negative predictive value of 80%. In summary, the available evidence is currently insufficient to determine the role of this variant in disease. Therefore, it has been classified as a Variant of Uncertain Significance.